The following is an entry in ClinVar:

ClinVar aggregate classification (germline): Uncertain significance (1 of 4 stars; one submission).

Conditions:
Multiple endocrine neoplasia, type 2 (MEN2). Identifiers: Orphanet 653, MedGen C4048306, MONDO:0019003. Disease mechanism: gain of function.

Submission:

Labcorp Genetics (formerly Invitae), Labcorp
Classification: Uncertain significance for Multiple endocrine neoplasia, type 2. Last evaluated: 2024-10-22. Review status: criteria provided, single submitter. Criteria: Invitae Variant Classification Sherloc (09022015). Collection method: clinical testing. Allele origin: germline.
Comment: This sequence change replaces arginine, which is basic and polar, with methionine, which is neutral and non-polar, at codon 415 of the RET protein (p.Arg415Met). This variant is not present in population databases (gnomAD no frequency). This variant has not been reported in the literature in individuals affected with RET-related conditions. An algorithm developed to predict the effect of missense changes on protein structure and function (PolyPhen-2) suggests that this variant is likely to be tolerated. In summary, the available evidence is currently insufficient to determine the role of this variant in disease. Therefore, it has been classified as a Variant of Uncertain Significance.

NM_020975.6(RET):c.1244G>T (p.Arg415Met)

Gene: RET (ret proto-oncogene; plus strand). Cytogenetic location: 10q11.21.
Variant type: single nucleotide variant.
Coding change: c.1244G>T on transcript NM_020975.6 (MANE Select); coding-DNA position 1244, G replaced by T.
Protein change: p.Arg415Met; replaces arginine 415 with methionine.
Molecular consequence: missense variant. On other transcripts: intron variant (18).
Genome position (GRCh38, 1-based): chr10:43,109,211, G>T. VCF-style: chr10-43109211-G-T. GRCh37 (hg19) VCF-style: chr10-43604659-G-T.
Other names: c.868-1996G>T (NM_001406769.1, NM_001406772.1); c.626-2888G>T (NM_001406782.1, NM_001406780.1, NM_001406779.1 and 3 more transcripts); c.739-1996G>T (NM_001406774.1); c.497-2888G>T (NM_001406786.1, NM_001406783.1); c.338-2888G>T (NM_001406790.1, NM_001406788.1, NM_001406789.1 and 1 more transcripts); c.74-2888G>T (NM_001406794.1, NM_001406792.1, NM_001406793.1); c.482G>T, p.Arg161Met (NM_001355216.2); c.1244G>T, p.Arg415Met (NM_001406743.1, NM_001406744.1, NM_001406759.1 and 4 more transcripts); and 5 more; short protein forms R161M, R319M, R372M, R173M, R269M, R415M, R85M.
Identifiers: ClinVar variation 3723497 (VCV003723497.2).